The following is an entry in ClinVar:

NM_152296.5(ATP1A3):c.1519C>T (p.Arg507Cys)

Gene: ATP1A3 (ATPase Na+/K+ transporting subunit alpha 3; minus strand). Cytogenetic location: 19q13.2.
Variant type: single nucleotide variant.
Coding change: c.1519C>T on transcript NM_152296.5 (MANE Select); coding-DNA position 1519, C replaced by T.
Protein change: p.Arg507Cys; replaces arginine 507 with cysteine.
Molecular consequence: missense variant.
Genome position (GRCh38, 1-based): chr19:41,978,717, G>A on the plus strand (C>T on the coding strand, the complement: ATP1A3 is on the minus strand). VCF-style: chr19-41978717-G-A. GRCh37 (hg19) VCF-style: chr19-42482869-G-A.
Other names: c.1552C>T, p.Arg518Cys (NM_001256213.2); c.1558C>T, p.Arg520Cys (NM_001256214.2); short protein forms R520C, R507C, R518C.
Identifiers: ClinVar variation 956501 (VCV000956501.12), dbSNP rs749776123, ClinGen allele CA9467614.
Genomic context (GRCh38, chr19:41,978,717, plus strand): 5'-CCTCCTTCATTTCCTCGTCCAGAGGCTGCTCCTTGCCCTGTAGCAGGATGGTGGAGCAGC[G>A]GTCCAGGATGCGCTCGGGGGCACCCTTCATCACCAGCAGGTATCGGTTGTCGTTGGGGTC-3'
Protein context (NP_689509.1, residues 497-517): MKGAPERILD[Arg507Cys]CSTILLQGKE

ClinVar aggregate classification (germline): Uncertain significance. Review status: criteria provided, multiple submitters, no conflicts (2 of 4 stars). 2 submissions from 2 submitters: Uncertain significance (2). Last evaluated 2025-06-04.

Conditions:
Dystonia 12 (DYT12). Also called: DYT-ATP1A3; Rapid-Onset Dystonia-Parkinsonism (RDP). Identifiers: Orphanet 71517, MedGen C1868681, MONDO:0007496, OMIM 128235.

Allele frequency attached by ClinVar (database versions not stated): gnomAD exomes below 0.00001 and 0.00001; gnomAD 0.00001; ExAC 0.00002; TOPMed 0.00002.
gnomAD v4.1: 3 of 1,613,970 alleles (0.00019%); highest among the groups gnomAD compares: African/African-American, 0.0013%; no homozygotes.

Submissions (2):

Labcorp Genetics (formerly Invitae), Labcorp
Classification: Uncertain significance for Dystonia 12. Last evaluated: 2025-06-04. Review status: criteria provided, single submitter. Criteria: Invitae Variant Classification Sherloc (09022015). Collection method: clinical testing. Allele origin: germline.
Comment: This sequence change replaces arginine, which is basic and polar, with cysteine, which is neutral and slightly polar, at codon 507 of the ATP1A3 protein (p.Arg507Cys). This variant is present in population databases (rs749776123, gnomAD 0.004%). This variant has not been reported in the literature in individuals affected with ATP1A3-related conditions. ClinVar contains an entry for this variant (Variation ID: 956501). Invitae Evidence Modeling of protein sequence and biophysical properties (such as structural, functional, and spatial information, amino acid conservation, physicochemical variation, residue mobility, and thermodynamic stability) has been performed for this missense variant. However, the output from this modeling did not meet the statistical confidence thresholds required to predict the impact of this variant on ATP1A3 protein function. In summary, the available evidence is currently insufficient to determine the role of this variant in disease. Therefore, it has been classified as a Variant of Uncertain Significance.

GeneDx
Classification: Uncertain significance. Last evaluated: 2023-06-08. Review status: criteria provided, single submitter. Criteria: GeneDx Variant Classification Process June 2021. Collection method: clinical testing. Allele origin: germline. Affected: yes.
Comment: Not observed at a significant frequency in large population cohorts (gnomAD); In silico analysis supports that this missense variant has a deleterious effect on protein structure/function; Has not been previously published as pathogenic or benign to our knowledge